The following is an entry in ClinVar:

ClinVar aggregate classification (germline): Uncertain significance (1 of 4 stars; one submission).

Conditions:
Cohen-Gibson syndrome (COGIS). Also called: EED-Related Overgrowth. Identifiers: Orphanet 659396, MedGen C4479654, MONDO:0060510, OMIM 617561.

Submission:

Labcorp Genetics (formerly Invitae), Labcorp
Classification: Uncertain significance for Cohen-Gibson syndrome. Last evaluated: 2024-04-03. Review status: criteria provided, single submitter. Criteria: Invitae Variant Classification Sherloc (09022015). Collection method: clinical testing. Allele origin: germline.
Comment: This variant, c.36_53dup, results in the insertion of 6 amino acid(s) of the EED protein (p.Thr13_Ala18dup), but otherwise preserves the integrity of the reading frame. This variant is present in population databases (no rsID available, gnomAD 0.006%). This variant has not been reported in the literature in individuals affected with EED-related conditions. Experimental studies and prediction algorithms are not available or were not evaluated, and the functional significance of this variant is currently unknown. In summary, the available evidence is currently insufficient to determine the role of this variant in disease. Therefore, it has been classified as a Variant of Uncertain Significance.

NM_003797.5(EED):c.36_53dup (p.Ala18_Lys19insThrAspMetProAlaAla)

Gene: EED (embryonic ectoderm development; plus strand). Cytogenetic location: 11q14.2.
Variant type: Duplication.
Coding change: c.36_53dup on transcript NM_003797.5 (MANE Select); coding-DNA positions 36 to 53, 18 bases duplicated (AACAGACATGCCTGCGGC).
Protein change: p.Ala18_Lys19insThrAspMetProAlaAla.
Genome position (GRCh38, 1-based): chr11:86,245,265-86,245,282, AACAGACATGCCTGCGGC duplicated. VCF-style (leftmost placement, unchanged base first): chr11-86245264-G-GAACAGACATGCCTGCGGC. GRCh37 (hg19) VCF-style: chr11-85956306-G-GAACAGACATGCCTGCGGC.
Other names: c.36_53dup, p.Ala18_Lys19insThrAspMetProAlaAla (NM_001308007.2, NM_001330334.2).
Identifiers: ClinVar variation 3669742 (VCV003669742.2).